The following is an entry in ClinVar:

ClinVar aggregate classification (germline): Uncertain significance (1 of 4 stars; one submission).

Conditions:
Inborn genetic diseases. Identifiers: MedGen C0950123, MeSH D030342.

Allele frequency attached by ClinVar (database versions not stated): TOPMed below 0.00001.

Submission:

Ambry Genetics
Classification: Uncertain significance for Inborn genetic diseases. Last evaluated: 2021-07-23. Review status: criteria provided, single submitter. Criteria: Ambry Variant Classification Scheme 2023. Collection method: clinical testing. Allele origin: germline.
Comment: The p.V589M variant (also known as c.1765G>A), located in coding exon 15 of the LRRK2 gene, results from a G to A substitution at nucleotide position 1765. The valine at codon 589 is replaced by methionine, an amino acid with highly similar properties. This amino acid position is conserved. In addition, this alteration is predicted to be tolerated by in silico analysis. Since supporting evidence is limited at this time, the clinical significance of this alteration remains unclear.

NM_198578.4(LRRK2):c.1765G>A (p.Val589Met)

Gene: LRRK2 (leucine rich repeat kinase 2; plus strand). Cytogenetic location: 12q12.
Variant type: single nucleotide variant.
Coding change: c.1765G>A on transcript NM_198578.4 (MANE Select); coding-DNA position 1765, G replaced by A.
Protein change: p.Val589Met; replaces valine 589 with methionine.
Molecular consequence: missense variant.
Genome position (GRCh38, 1-based): chr12:40,274,691, G>A. VCF-style: chr12-40274691-G-A. GRCh37 (hg19) VCF-style: chr12-40668493-G-A.
Other names: short protein forms V589M.
Identifiers: ClinVar variation 1779669 (VCV001779669.2), dbSNP rs1315330606, ClinGen allele CA384403198.